The following is an entry in ClinVar:

NM_000038.6(APC):c.4670T>C (p.Ile1557Thr)

Gene: APC (APC regulator of Wnt signaling pathway; plus strand). Cytogenetic location: 5q22.2.
Variant type: single nucleotide variant.
Coding change: c.4670T>C on transcript NM_000038.6 (MANE Select); coding-DNA position 4670, T replaced by C.
Protein change: p.Ile1557Thr; replaces isoleucine 1557 with threonine.
Molecular consequence: missense variant.
Genome position (GRCh38, 1-based): chr5:112,840,264, T>C. VCF-style: chr5-112840264-T-C. GRCh37 (hg19) VCF-style: chr5-112175961-T-C.
Other names: c.4292T>C, p.Ile1431Thr (NM_001354904.2); c.4190T>C, p.Ile1397Thr (NM_001354905.2); c.3821T>C, p.Ile1274Thr (NM_001354906.2); c.4670T>C, p.Ile1557Thr (NM_001127510.3, NM_001354895.2); c.4616T>C, p.Ile1539Thr (NM_001127511.3); c.4724T>C, p.Ile1575Thr (NM_001354896.2); c.4700T>C, p.Ile1567Thr (NM_001354897.2); c.4595T>C, p.Ile1532Thr (NM_001354898.2); and 5 more; short protein forms I1274T, I1456T, I1466T, I1498T, I1532T, I1557T, I1431T, I1567T.
Identifiers: ClinVar variation 660648 (VCV000660648.16), dbSNP rs769121879, ClinGen allele CA039552.
Genomic context (GRCh38, chr5:112,840,264, plus strand): 5'-CAGAATCAGAGCAGCCTAAAGAATCAAATGAAAACCAAGAGAAAGAGGCAGAAAAAACTA[T>C]TGATTCTGAAAAGGACCTATTAGATGATTCAGATGATGATGATATTGAAATACTAGAAGA-3'
Protein context (NP_000029.2, residues 1547-1567): ENQEKEAEKT[Ile1557Thr]DSEKDLLDDS

ClinVar aggregate classification (germline): Conflicting classifications of pathogenicity. Review status: criteria provided, conflicting classifications (1 of 4 stars). 4 submissions from 4 submitters: Uncertain significance (3); Likely benign (1). Last evaluated 2025-10-07.

Conditions:
Classic or attenuated familial adenomatous polyposis. Identifiers: MedGen CN372698, MONDO:0021057.
Familial adenomatous polyposis 1 (FAP1). Also called: POLYPOSIS, ADENOMATOUS INTESTINAL; FAMILIAL ADENOMATOUS POLYPOSIS 1, ATTENUATED. Identifiers: MedGen C2713442, MONDO:0021056, OMIM 175100. Disease mechanism: loss of function.
Hereditary cancer-predisposing syndrome. Also called: Hereditary neoplastic syndrome; Neoplastic Syndromes, Hereditary; Hereditary Cancer Syndrome; Tumor predisposition. Identifiers: Orphanet 140162, MedGen C0027672, MeSH D009386, MONDO:0015356.

Allele frequency attached by ClinVar (database versions not stated): gnomAD exomes below 0.00001; ExAC 0.00001; TOPMed 0.00001.
gnomAD v4.1: 7 of 1,614,138 alleles (0.00043%); highest among the groups gnomAD compares: South Asian, 0.0022%; no homozygotes.

Submissions (4):

Labcorp Genetics (formerly Invitae), Labcorp
Classification: Uncertain significance for Familial adenomatous polyposis 1. Last evaluated: 2025-10-07. Review status: criteria provided, single submitter. Criteria: Invitae Variant Classification Sherloc (09022015). Collection method: clinical testing. Allele origin: germline.
Comment: This sequence change replaces isoleucine, which is neutral and non-polar, with threonine, which is neutral and polar, at codon 1557 of the APC protein (p.Ile1557Thr). This variant is present in population databases (rs769121879, gnomAD 0.0009%). This variant has not been reported in the literature in individuals affected with APC-related conditions. ClinVar contains an entry for this variant (Variation ID: 660648). Invitae Evidence Modeling of protein sequence and biophysical properties (such as structural, functional, and spatial information, amino acid conservation, physicochemical variation, residue mobility, and thermodynamic stability) indicates that this missense variant is not expected to disrupt APC protein function with a negative predictive value of 95%. In summary, the available evidence is currently insufficient to determine the role of this variant in disease. Therefore, it has been classified as a Variant of Uncertain Significance.

Color Diagnostics, LLC DBA Color Health
Classification: Uncertain significance for Hereditary cancer-predisposing syndrome. Last evaluated: 2024-04-04. Review status: criteria provided, single submitter. Criteria: ACMG Guidelines, 2015. Collection method: clinical testing. Allele origin: germline.
Comment: This missense variant replaces isoleucine with threonine at codon 1557 of the APC protein. Computational prediction suggests that this variant may not impact protein structure and function. To our knowledge, functional studies have not been reported for this variant. This variant has not been reported in individuals affected with APC-related disorders in the literature. This variant has been identified in 1/250142 chromosomes in the general population by the Genome Aggregation Database (gnomAD). The available evidence is insufficient to determine the role of this variant in disease conclusively. Therefore, this variant is classified as a Variant of Uncertain Significance.

All of Us Research Program, National Institutes of Health
Classification: Uncertain significance for Classic or attenuated familial adenomatous polyposis. Last evaluated: 2023-06-26. Review status: criteria provided, single submitter. Criteria: ACMG Guidelines, 2015. Collection method: clinical testing. Allele origin: germline. Inheritance: Autosomal dominant inheritance. Observed: 2 variant alleles, 2 heterozygotes.
Comment: This study involves interpretation of variants in research participants for the purpose of population health screening. Participant phenotype was not available at the time of variant classification. Additional details can be found in publication PMID: 35346344, PMCID: PMC8962531

Ambry Genetics
Classification: Likely benign for Hereditary cancer-predisposing syndrome. Last evaluated: 2018-09-13. Review status: criteria provided, single submitter. Criteria: Ambry Variant Classification Scheme 2023. Collection method: clinical testing. Allele origin: germline.